The following is an entry in ClinVar:

ClinVar aggregate classification (germline): Uncertain significance. Review status: criteria provided, multiple submitters, no conflicts (2 of 4 stars). 3 submissions from 3 submitters: Uncertain significance (3). Last evaluated 2025-07-29.

Conditions:
Multiple endocrine neoplasia, type 2 (MEN2). Identifiers: Orphanet 653, MedGen C4048306, MONDO:0019003. Disease mechanism: gain of function.
Hereditary cancer-predisposing syndrome. Also called: Tumor predisposition; Neoplastic Syndromes, Hereditary; Hereditary neoplastic syndrome; Hereditary Cancer Syndrome. Identifiers: Orphanet 140162, MedGen C0027672, MeSH D009386, MONDO:0015356.

Submissions (3):

Ambry Genetics
Classification: Uncertain significance for Hereditary cancer-predisposing syndrome. Last evaluated: 2025-07-29. Review status: criteria provided, single submitter. Criteria: Ambry Variant Classification Scheme 2023. Collection method: clinical testing. Allele origin: germline.
Comment: The p.G798D variant (also known as c.2393G>A) is located in coding exon 14 of the RET gene. The glycine at codon 798 is replaced by aspartic acid, an amino acid with similar properties. This change occurs in the first base pair of coding exon 14. This amino acid position is conserved. In addition, this alteration is predicted to be deleterious by in silico analysis. Based on the available evidence, the clinical significance of this variant remains unclear.

Women's Health and Genetics/Laboratory Corporation of America, LabCorp
Classification: Uncertain significance. Last evaluated: 2024-06-22. Review status: criteria provided, single submitter. Criteria: LabCorp Variant Classification Summary - May 2015. Collection method: clinical testing. Allele origin: germline.

Labcorp Genetics (formerly Invitae), Labcorp
Classification: Uncertain significance for Multiple endocrine neoplasia, type 2. Last evaluated: 2019-05-20. Review status: criteria provided, single submitter. Criteria: Invitae Variant Classification Sherloc (09022015). Collection method: clinical testing. Allele origin: germline.
Comment: This sequence change replaces glycine with aspartic acid at codon 798 of the RET protein (p.Gly798Asp). The glycine residue is highly conserved and there is a moderate physicochemical difference between glycine and aspartic acid. This variant is not present in population databases (ExAC no frequency). This variant has not been reported in the literature in individuals with RET-related conditions. Algorithms developed to predict the effect of missense changes on protein structure and function are either unavailable or do not agree on the potential impact of this missense change (SIFT: "Tolerated"; PolyPhen-2: "Probably Damaging"; Align-GVGD: "Class C0"). In summary, the available evidence is currently insufficient to determine the role of this variant in disease. Therefore, it has been classified as a Variant of Uncertain Significance.

NM_020975.6(RET):c.2393G>A (p.Gly798Asp)

Gene: RET (ret proto-oncogene; plus strand). Cytogenetic location: 10q11.21.
Variant type: single nucleotide variant.
Coding change: c.2393G>A on transcript NM_020975.6 (MANE Select); coding-DNA position 2393, G replaced by A.
Protein change: p.Gly798Asp; replaces glycine 798 with aspartic acid.
Molecular consequence: missense variant.
Genome position (GRCh38, 1-based): chr10:43,119,531, G>A. VCF-style: chr10-43119531-G-A. GRCh37 (hg19) VCF-style: chr10-43614979-G-A.
Other names: c.1367G>A, p.Gly456Asp (NM_001406783.1, NM_001406786.1); c.1403G>A, p.Gly468Asp (NM_001406784.1); c.1208G>A, p.Gly403Asp (NM_001406789.1, NM_001406790.1, NM_001406788.1); c.1376G>A, p.Gly459Asp (NM_001406785.1); c.1361G>A, p.Gly454Asp (NM_001406787.1); c.1088G>A, p.Gly363Asp (NM_001406791.1); c.944G>A, p.Gly315Asp (NM_001406792.1, NM_001406793.1, NM_001406794.1); c.2393G>A, p.Gly798Asp (NM_020629.2, NM_020630.7, NM_000323.2 and 4 more transcripts); and 10 more; short protein forms G798D, G544D, G315D, G403D, G459D, G755D, G363D, G454D.
Identifiers: ClinVar variation 849440 (VCV000849440.12), dbSNP rs1453303247, ClinGen allele CA376555985.